The following is an entry in ClinVar:

ClinVar aggregate classification (germline): Uncertain significance. Review status: criteria provided, multiple submitters, no conflicts (2 of 4 stars). 2 submissions from 2 submitters: Uncertain significance (2). Last evaluated 2025-12-15.

Allele frequency attached by ClinVar (database versions not stated): gnomAD exomes below 0.00001 and 0.00001; ESP Exome Variant Server 0.00008.
gnomAD v4.1: 2 of 1,612,952 alleles (0.00012%); highest among the groups gnomAD compares: Non-Finnish European, 0.00017%; no homozygotes.

Submissions (2):

Ambry Genetics
Classification: Uncertain significance. Last evaluated: 2025-12-15. Review status: criteria provided, single submitter. Criteria: Ambry Variant Classification Scheme 2023. Collection method: clinical testing. Allele origin: germline.
Comment: The p.L50S variant (also known as c.149T>C), located in coding exon 2 of the RECQL gene, results from a T to C substitution at nucleotide position 149. The leucine at codon 50 is replaced by serine, an amino acid with dissimilar properties. This amino acid position is conserved. In addition, this alteration is predicted to be tolerated by in silico analysis. Since supporting evidence is limited at this time, the clinical significance of this alteration remains unclear.

Labcorp Genetics (formerly Invitae), Labcorp
Classification: Uncertain significance. Last evaluated: 2025-07-21. Review status: criteria provided, single submitter. Criteria: Invitae Variant Classification Sherloc (09022015). Collection method: clinical testing. Allele origin: germline.
Comment: This sequence change replaces leucine, which is neutral and non-polar, with serine, which is neutral and polar, at codon 50 of the RECQL protein (p.Leu50Ser). This variant is present in population databases (rs374048199, gnomAD 0.002%). This variant has not been reported in the literature in individuals affected with RECQL-related conditions. ClinVar contains an entry for this variant (Variation ID: 1004002). An algorithm developed to predict the effect of missense changes on protein structure and function (PolyPhen-2) suggests that this variant is likely to be tolerated. In summary, the available evidence is currently insufficient to determine the role of this variant in disease. Therefore, it has been classified as a Variant of Uncertain Significance.

NM_002907.4(RECQL):c.149T>C (p.Leu50Ser)

Gene: RECQL (RecQ like helicase; minus strand). Cytogenetic location: 12p12.1.
Variant type: single nucleotide variant.
Coding change: c.149T>C on transcript NM_002907.4 (MANE Select); coding-DNA position 149, T replaced by C.
Protein change: p.Leu50Ser; replaces leucine 50 with serine.
Molecular consequence: missense variant.
Genome position (GRCh38, 1-based): chr12:21,491,584, A>G on the plus strand (T>C on the coding strand, the complement: RECQL is on the minus strand). VCF-style: chr12-21491584-A-G. GRCh37 (hg19) VCF-style: chr12-21644518-A-G.
Other names: c.149T>C, p.Leu50Ser (NM_032941.3); short protein forms L50S.
Identifiers: ClinVar variation 1004002 (VCV001004002.12), dbSNP rs374048199, ClinGen allele CA16622114.